The following is an entry in ClinVar:

NM_007327.4(GRIN1):c.467G>A (p.Arg156His)

Gene: GRIN1 (glutamate ionotropic receptor NMDA type subunit 1; plus strand). Cytogenetic location: 9q34.3.
Variant type: single nucleotide variant.
Coding change: c.467G>A on transcript NM_007327.4 (MANE Select); coding-DNA position 467, G replaced by A.
Protein change: p.Arg156His; replaces arginine 156 with histidine.
Molecular consequence: missense variant.
Genome position (GRCh38, 1-based): chr9:137,145,799, G>A. VCF-style: chr9-137145799-G-A. GRCh37 (hg19) VCF-style: chr9-140040251-G-A.
Other names: c.467G>A, p.Arg156His (NM_000832.7, NM_001185090.2, NM_001185091.2 and 1 more transcripts); short protein forms R156H.
Identifiers: ClinVar variation 472580 (VCV000472580.17), dbSNP rs762490192, ClinGen allele CA5360660.

ClinVar aggregate classification (germline): Conflicting classifications of pathogenicity. Review status: criteria provided, conflicting classifications (1 of 4 stars). 4 submissions from 4 submitters: Uncertain significance (2); Likely benign (2). Last evaluated 2025-11-28.

Conditions:
Neurodevelopmental disorder with or without hyperkinetic movements and seizures, autosomal dominant. Also called: Intellectual disability, autosomal dominant 8. Identifiers: MedGen C3280282, MONDO:0013655, OMIM 614254.
Inborn genetic diseases. Identifiers: MedGen C0950123, MeSH D030342.

Allele frequency attached by ClinVar (database versions not stated): ExAC 0.00002; gnomAD exomes 0.00002 and 0.00004; TOPMed 0.00003; gnomAD 0.00005 and 0.00006.

Submissions (4):

Labcorp Genetics (formerly Invitae), Labcorp
Classification: Likely benign for Neurodevelopmental disorder with or without hyperkinetic movements and seizures, autosomal dominant. Last evaluated: 2025-11-28. Review status: criteria provided, single submitter. Criteria: Invitae Variant Classification Sherloc (09022015). Collection method: clinical testing. Allele origin: germline.

New York Genome Center
Classification: Uncertain significance for Neurodevelopmental disorder with or without hyperkinetic movements and seizures, autosomal dominant. Last evaluated: 2021-05-14. Review status: criteria provided, single submitter. Criteria: NYGC Assertion Criteria 2020. Collection method: clinical testing. Allele origin: inherited. Observed: 1 heterozygote. Study: CSER-NYCKidSeq.

GeneDx
Classification: Likely benign. Last evaluated: 2018-08-31. Review status: criteria provided, single submitter. Criteria: GeneDx Variant Classification Process June 2021. Collection method: clinical testing. Allele origin: germline. Affected: yes.

Ambry Genetics
Classification: Uncertain significance for Inborn genetic diseases. Last evaluated: 2017-05-15. Review status: criteria provided, single submitter. Criteria: Ambry Variant Classification Scheme 2023. Collection method: clinical testing. Allele origin: germline.
Comment: The p.R156H variant (also known as c.467G>A), located in coding exon 3 of the GRIN1 gene, results from a G to A substitution at nucleotide position 467. The arginine at codon 156 is replaced by histidine, an amino acid with highly similar properties. This amino acid position is highly conserved in available vertebrate species. In addition, the in silico prediction for this alteration is inconclusive. Since supporting evidence is limited at this time, the clinical significance of this alteration remains unclear.